The following is an entry in ClinVar:

NC_000012.12:g.63548869_63724778dup

Genes: DPY19L2 (dpy-19 like 2; minus strand), LOC108720144 (DPY19L2 LCR1 recombination region 2; plus strand), LOC130008194 (ATAC-STARR-seq lymphoblastoid active region 6585; plus strand). Cytogenetic location: 12q14.2.
Variant type: Duplication.
Identifiers: ClinVar variation 157255 (VCV000157255.3).

ClinVar aggregate classification (germline): not provided (0 of 4 stars; one submission).

Conditions:
Preeclampsia. Identifiers: Orphanet 275555, MedGen C0032914, MONDO:0005081, HP:0100602.

Submission:

Institute of Molecular and Cell Biology, University of Tartu
No classification provided. Condition: Preeclampsia. Review status: no classification provided. Collection method: case-control. Allele origin: unknown. Affected: yes. Study: Kasak2014.
Comment: The study aimed to determine the contribution of copy number variants in the genetic etiology of normal and complicated pregnancies. The samples represented (i) maternal blood DNA drawn from healthy pregnant women during 1st or 2nd trimester and (ii) maternal and paternal blood DNA drawn at term pregnancy cases representing normal and complicated gestations (severe preeclampsia, PE; gestational diabetes, GD; small-for-gestational age newborn, SGA; large-for-gestational age newborn, LGA). We performed CNV calling based on genome-wide genotyping dataset (Illumina HumanOmniExpress-24-v1 BeadChip) by applying three algorithms, QuantiSNP, GADA (Genome Alteration Detection Algorithm) and CNstream in parallel. The acquired CNV calls were merged with HD-CNV (Hotspot Detector for Copy Number Variants) program and only the CNVs predicted by at least two programs, were considered in subsequent analysis.

Literature cited by the submitters: PubMed 25666259.